The following is an entry in ClinVar:

NM_152564.5(VPS13B):c.2051C>T (p.Ser684Phe)

Gene: VPS13B (vacuolar protein sorting 13 homolog B; plus strand). Cytogenetic location: 8q22.2.
Variant type: single nucleotide variant.
Coding change: c.2051C>T on transcript NM_152564.5 (MANE Select); coding-DNA position 2051, C replaced by T.
Protein change: p.Ser684Phe; replaces serine 684 with phenylalanine.
Molecular consequence: missense variant.
Genome position (GRCh38, 1-based): chr8:99,156,586, C>T. VCF-style: chr8-99156586-C-T. GRCh37 (hg19) VCF-style: chr8-100168814-C-T.
Other names: c.2051C>T, p.Ser684Phe (NM_015243.3, NM_017890.5); c.2051C>T (NM_152564.4); short protein forms S684F.
Identifiers: ClinVar variation 971372 (VCV000971372.16), dbSNP rs367999029, ClinGen allele CA4822823.

ClinVar aggregate classification (germline): Conflicting classifications of pathogenicity. Review status: criteria provided, conflicting classifications (1 of 4 stars). 5 submissions from 5 submitters: Uncertain significance (3); Likely benign (1). 1 of the submissions does not count toward it. Last evaluated 2026-07-12.

Conditions:
Cohen syndrome (COH1). Also called: PEPPER SYNDROME; Cutis verticis gyrata, retinitis pigmentosa, and sensorineural deafness. Identifiers: Orphanet 193, MedGen C0265223, MONDO:0008999, OMIM 216550.
VPS13B-related disorder. Also called: VPS13B-related condition.

Allele frequency attached by ClinVar (database versions not stated): gnomAD exomes 0.00001 and 0.00003; ExAC 0.00005; gnomAD 0.00005 and 0.00006; TOPMed 0.00006; ESP Exome Variant Server 0.00015.
gnomAD v4.1: 18 of 1,613,958 alleles (0.0011%); highest among the groups gnomAD compares: African/African-American, 0.024%; no homozygotes.

Submissions (5):

PreventionGenetics, part of Exact Sciences
Classification: Uncertain significance for VPS13B-related condition. Last evaluated: 2026-07-12. Review status: criteria provided, single submitter. Criteria: ACMG Guidelines, 2015. Collection method: clinical testing. Allele origin: germline.
Comment: The VPS13B c.2051C>T variant is predicted to result in the amino acid substitution p.Ser684Phe. To our knowledge, this variant has not been reported in the literature. This variant is reported in 0.032% of alleles in individuals of African descent in gnomAD. At this time, the clinical significance of this variant is uncertain due to the absence of conclusive functional and genetic evidence.

Labcorp Genetics (formerly Invitae), Labcorp
Classification: Uncertain significance for Cohen syndrome. Last evaluated: 2024-11-05. Review status: criteria provided, single submitter. Criteria: Invitae Variant Classification Sherloc (09022015). Collection method: clinical testing. Allele origin: germline.
Comment: This sequence change replaces serine, which is neutral and polar, with phenylalanine, which is neutral and non-polar, at codon 684 of the VPS13B protein (p.Ser684Phe). This variant is present in population databases (rs367999029, gnomAD 0.03%). This variant has not been reported in the literature in individuals affected with VPS13B-related conditions. ClinVar contains an entry for this variant (Variation ID: 971372). Invitae Evidence Modeling of protein sequence and biophysical properties (such as structural, functional, and spatial information, amino acid conservation, physicochemical variation, residue mobility, and thermodynamic stability) indicates that this missense variant is not expected to disrupt VPS13B protein function with a negative predictive value of 80%. In summary, the available evidence is currently insufficient to determine the role of this variant in disease. Therefore, it has been classified as a Variant of Uncertain Significance.

Blueprint Genetics
Classification: Likely benign. Last evaluated: 2022-02-09. Review status: criteria provided, single submitter. Criteria: ACMG Guidelines, 2015. Collection method: clinical testing. Allele origin: germline.

GeneDx
Classification: Uncertain significance. Last evaluated: 2019-11-05. Review status: criteria provided, single submitter. Criteria: GeneDx Variant Classification Process June 2021. Collection method: clinical testing. Allele origin: germline. Affected: yes.
Comment: Has not been previously published as pathogenic or benign to our knowledge; In silico analysis, which includes protein predictors and evolutionary conservation, supports a deleterious effect

Natera, Inc.
Classification: Uncertain significance for Cohen syndrome. Last evaluated: 2020-05-29. Review status: no assertion criteria provided. Collection method: clinical testing. Allele origin: germline. Not counted in ClinVar's aggregate classification.